The following is an entry in ClinVar:

NM_130849.4(SLC39A4):c.970_973del (p.Ser324fs)

Gene: SLC39A4 (solute carrier family 39 member 4; minus strand). Cytogenetic location: 8q24.3.
Variant type: Deletion.
Coding change: c.970_973del on transcript NM_130849.4 (MANE Select); coding-DNA positions 970 to 973, 4 bases deleted (TCAG; older notation c.970_973delTCAG).
Protein change: p.Ser324fs; shifts the reading frame from serine 324.
Molecular consequence: frameshift variant.
Genome position (GRCh38, 1-based): chr8:144,414,728-144,414,731, CTGA deleted on the plus strand (TCAG on the coding strand, the reverse complement: SLC39A4 is on the minus strand); deleting any 4 consecutive bases within chr8:144,414,728-144,414,734 gives the same sequence; the c. name uses the placement nearest the transcript's 3' end. VCF-style (leftmost placement, unchanged base first): chr8-144414727-TCTGA-T. GRCh37 (hg19) VCF-style: chr8-145640111-TCTGA-T.
Other names: c.688_691del, p.Ser230fs (NM_001374839.1); c.895_898del, p.Ser299fs (NM_017767.3); short protein forms S230fs, S299fs, S324fs.
Identifiers: ClinVar variation 3535 (VCV000003535.2), dbSNP rs2130798769, ClinGen allele CA2580078714.

ClinVar aggregate classification (germline): Pathogenic. Review status: criteria provided, multiple submitters, no conflicts (2 of 4 stars). 3 submissions from 3 submitters: Pathogenic (2). 1 of the submissions does not count toward it. Last evaluated 2026-03-05.

Conditions:
Hereditary acrodermatitis enteropathica (AEZ). Also called: Acrodermatitis enteropathica. Identifiers: Orphanet 37, MedGen C0221036, MONDO:0008713, OMIM 201100.

Submissions (3):

Kasturba Medical College, Manipal, Kasturba Medical College, Manipal, Manipal Academy of Higher Education, Manipal, India
Classification: Pathogenic for Hereditary acrodermatitis enteropathica. Last evaluated: 2026-03-05. Review status: criteria provided, single submitter. Criteria: ACMG Guidelines, 2015. Collection method: research. Allele origin: unknown. Inheritance: Autosomal recessive inheritance. Affected: yes.
Comment: This variant is absent in heterozygous and/or homozygous state in gnomAD (v4.1.0) and in our in-house database of 4019 exomes. This frameshift deletion is predicted to introduce a premature termination codon in the transcript which may either lead to nonsense-mediated mRNA decay or the formation of a truncated protein product.

Natera, Inc.
Classification: Pathogenic for Acrodermatitis enteropathica. Last evaluated: 2024-08-21. Review status: criteria provided, single submitter. Criteria: Natera Variant Classification Schema (03/2026). Collection method: clinical testing. Allele origin: germline.
Comment: The c.970_973del variant in SLC39A4 is a frameshift variant predicted to shift the reading frame beginning at codon 324 and leads to a stop codon 24 codons downstream. This variant is expected to result in nonsense mediated decay, truncation, or a dysfunctional protein product. This variant is rare in the general population with a frequency below the threshold expected for the associated phenotype(s). This variant has been observed in one or more individuals affected with the associated recessive disease, as either homozygous or compound heterozygous with a second variant (PMID: 12068297). Given the available evidence, this variant is classified as Pathogenic.

OMIM
Classification: Pathogenic for ACRODERMATITIS ENTEROPATHICA. Last evaluated: 2002-07-01. Review status: no assertion criteria provided. Collection method: literature only. Allele origin: germline. Not counted in ClinVar's aggregate classification.

Literature cited by the submitters: PubMed 12068297 (cited by 3 submitters).